The following is an entry in ClinVar:

ClinVar aggregate classification (germline): Uncertain significance (1 of 4 stars; one submission).

Conditions:
Combined immunodeficiency due to DOCK8 deficiency (HIES2). Also called: HYPER-IgE SYNDROME 2, AUTOSOMAL RECESSIVE, WITH RECURRENT INFECTIONS; DOCK8 Deficiency; HIES autosomal recessive; Hyper-IgE recurrent infection syndrome, autosomal recessive; HYPER-IgE RECURRENT INFECTION SYNDROME 2, AUTOSOMAL RECESSIVE. Identifiers: Orphanet 217390, MedGen C4722305, MONDO:0009478, OMIM 243700.

gnomAD v4.1: 13 of 1,613,890 alleles (0.00081%); highest among the groups gnomAD compares: East Asian, 0.027%; no homozygotes.

Submission:

Labcorp Genetics (formerly Invitae), Labcorp
Classification: Uncertain significance for Combined immunodeficiency due to DOCK8 deficiency. Last evaluated: 2025-07-17. Review status: criteria provided, single submitter. Criteria: Invitae Variant Classification Sherloc (09022015). Collection method: clinical testing. Allele origin: germline.
Comment: This sequence change replaces leucine, which is neutral and non-polar, with valine, which is neutral and non-polar, at codon 674 of the DOCK8 protein (p.Leu674Val). This variant is present in population databases (rs770812549, gnomAD 0.05%). This variant has not been reported in the literature in individuals affected with DOCK8-related conditions. Invitae Evidence Modeling of protein sequence and biophysical properties (such as structural, functional, and spatial information, amino acid conservation, physicochemical variation, residue mobility, and thermodynamic stability) has been performed for this missense variant. However, the output from this modeling did not meet the statistical confidence thresholds required to predict the impact of this variant on DOCK8 protein function. In summary, the available evidence is currently insufficient to determine the role of this variant in disease. Therefore, it has been classified as a Variant of Uncertain Significance.

NM_203447.4(DOCK8):c.2020C>G (p.Leu674Val)

Gene: DOCK8 (dedicator of cytokinesis 8; plus strand). Cytogenetic location: 9p24.3.
Variant type: single nucleotide variant.
Coding change: c.2020C>G on transcript NM_203447.4 (MANE Select); coding-DNA position 2020, C replaced by G.
Protein change: p.Leu674Val; replaces leucine 674 with valine.
Molecular consequence: missense variant.
Genome position (GRCh38, 1-based): chr9:372,197, C>G. VCF-style: chr9-372197-C-G. GRCh37 (hg19) VCF-style: chr9-372197-C-G.
Other names: c.1816C>G, p.Leu606Val (NM_001190458.2, NM_001193536.2); short protein forms L606V, L674V.
Identifiers: ClinVar variation 4743365 (VCV004743365.1).